The following is an entry in ClinVar:

NM_001308210.2(TSHZ1):c.168G>A (p.Ala56=)

Gene: TSHZ1 (teashirt zinc finger homeobox 1; plus strand). Cytogenetic location: 18q22.3.
Variant type: single nucleotide variant.
Coding change: c.168G>A on transcript NM_001308210.2 (MANE Select); coding-DNA position 168, G replaced by A.
Protein change: p.Ala56=; no amino-acid change (alanine 56 retained).
Molecular consequence: synonymous variant.
Genome position (GRCh38, 1-based): chr18:75,285,575, G>A. VCF-style: chr18-75285575-G-A. GRCh37 (hg19) VCF-style: chr18-72997530-G-A.
Other names: c.33G>A, p.Ala11= (NM_005786.6).
Identifiers: ClinVar variation 2648811 (VCV002648811.24), dbSNP rs371975193, ClinGen allele CA9001751.

ClinVar aggregate classification (germline): Likely benign (1 of 4 stars; one submission).

Allele frequency attached by ClinVar (database versions not stated): gnomAD 0.00001; TOPMed 0.00001; ExAC 0.00004; ESP Exome Variant Server 0.00008.
gnomAD v4.1: 27 of 1,600,408 alleles (0.0017%); highest among the groups gnomAD compares: South Asian, 0.0022%; no homozygotes.

Submission:

CeGaT Center for Human Genetics Tuebingen
Classification: Likely benign. Last evaluated: 2023-02-01. Review status: criteria provided, single submitter. Criteria: CeGaT Center For Human Genetics Tuebingen Variant Classification Criteria Version 2. Collection method: clinical testing. Allele origin: germline. Affected: yes. Observed: 1 variant allele.
Comment: TSHZ1: BP4, BP7